The following is an entry in ClinVar:

ClinVar aggregate classification (germline): Uncertain significance (1 of 4 stars; one submission).

Conditions:
Hereditary cancer-predisposing syndrome. Also called: Tumor predisposition; Neoplastic Syndromes, Hereditary; Hereditary neoplastic syndrome; Hereditary Cancer Syndrome. Identifiers: Orphanet 140162, MedGen C0027672, MeSH D009386, MONDO:0015356.

gnomAD v4.1: 2 of 1,614,128 alleles (0.00012%); highest among the groups gnomAD compares: Non-Finnish European, 0.000085%; no homozygotes.

Submission:

Ambry Genetics
Classification: Uncertain significance for Hereditary cancer-predisposing syndrome. Last evaluated: 2025-07-03. Review status: criteria provided, single submitter. Criteria: Ambry Variant Classification Scheme 2023. Collection method: clinical testing. Allele origin: germline.
Comment: The p.T440I variant (also known as c.1319C>T), located in coding exon 2 of the MET gene, results from a C to T substitution at nucleotide position 1319. The threonine at codon 440 is replaced by isoleucine, an amino acid with similar properties. This amino acid position is highly conserved in available vertebrate species. In addition, the in silico prediction for this alteration is inconclusive. Based on the available evidence, the clinical significance of this variant remains unclear.

NM_000245.4(MET):c.1319C>T (p.Thr440Ile)

Gene: MET (MET proto-oncogene, receptor tyrosine kinase; plus strand). Cytogenetic location: 7q31.2.
Variant type: single nucleotide variant.
Coding change: c.1319C>T on transcript NM_000245.4 (MANE Select); coding-DNA position 1319, C replaced by T.
Protein change: p.Thr440Ile; replaces threonine 440 with isoleucine.
Molecular consequence: missense variant.
Genome position (GRCh38, 1-based): chr7:116,731,786, C>T. VCF-style: chr7-116731786-C-T. GRCh37 (hg19) VCF-style: chr7-116371840-C-T.
Other names: c.1319C>T, p.Thr440Ile (NM_001127500.3, NM_001324401.3); c.29C>T, p.Thr10Ile (NM_001324402.2); short protein forms T440I, T10I.
Identifiers: ClinVar variation 4106727 (VCV004106727.1).